The following is an entry in ClinVar:

ClinVar aggregate classification (germline): Pathogenic (1 of 4 stars; one submission).

Conditions:
DPM3-congenital disorder of glycosylation (MDDGC15). Also called: CDG Io; CDG1(DPM3); MUSCULAR DYSTROPHY-DYSTROGLYCANOPATHY (LIMB-GIRDLE), TYPE C, 15; DPM3-CDG. Identifiers: Orphanet 263494, MedGen C2752007, MONDO:0013049, OMIM 612937.

Submission:

Labcorp Genetics (formerly Invitae), Labcorp
Classification: Pathogenic for DPM3-congenital disorder of glycosylation. Last evaluated: 2021-12-15. Review status: criteria provided, single submitter. Criteria: Invitae Variant Classification Sherloc (09022015). Collection method: clinical testing. Allele origin: germline.
Comment: This sequence change creates a premature translational stop signal (p.Thr2Argfs*3) in the DPM3 gene. While this is not anticipated to result in nonsense mediated decay, it is expected to disrupt the last 91 amino acid(s) of the DPM3 protein. This variant is not present in population databases (gnomAD no frequency). This variant has not been reported in the literature in individuals affected with DPM3-related conditions. This variant disrupts a region of the DPM3 protein in which other variant(s) (Leu85*) have been determined to be pathogenic (PMID: 31469168; Invitae). This suggests that this is a clinically significant region of the protein, and that variants that disrupt it are likely to be disease-causing. For these reasons, this variant has been classified as Pathogenic.

Literature cited by the submitters: PubMed 31469168.

NM_153741.2(DPM3):c.5del (p.Thr2fs)

Gene: DPM3 (dolichyl-phosphate mannosyltransferase subunit 3, regulatory; minus strand). Cytogenetic location: 1q22.
Variant type: Deletion.
Coding change: c.5del on transcript NM_153741.2 (MANE Select); coding-DNA position 5, one base deleted (C; older notation c.5delC).
Protein change: p.Thr2fs; shifts the reading frame from threonine 2.
Molecular consequence: frameshift variant.
Genome position (GRCh38, 1-based): chr1:155,140,236, G deleted on the plus strand (C on the coding strand, the reverse complement: DPM3 is on the minus strand). VCF-style (leftmost placement, unchanged base first): chr1-155140235-CG-C. GRCh37 (hg19) VCF-style: chr1-155112711-CG-C.
Other names: c.95del, p.Thr32fs (NM_018973.4); short protein forms T32fs, T2fs.
Identifiers: ClinVar variation 2043355 (VCV002043355.4), dbSNP rs2526669346, ClinGen allele CA2580061119.
Genomic context (GRCh38, chr1:155,140,235, plus strand): 5'-GGTCAGGGCCACCCAGGTGGAGCCCAGGATCGCTAGTCCCCAAAGCCACTGCGCTAATTT[CG>C]TCATGGTCACTGCGAGAGAAGGAAGCAATGCTCCCCTGAGGAGCAGAAAGGAAAAGCGGA-3'